The following is an entry in ClinVar:

NM_000528.4(MAN2B1):c.787C>T (p.Pro263Ser)

Gene: MAN2B1 (mannosidase alpha class 2B member 1; minus strand). Cytogenetic location: 19p13.13.
Variant type: single nucleotide variant.
Coding change: c.787C>T on transcript NM_000528.4 (MANE Select); coding-DNA position 787, C replaced by T.
Protein change: p.Pro263Ser; replaces proline 263 with serine.
Molecular consequence: missense variant.
Genome position (GRCh38, 1-based): chr19:12,663,439, G>A on the plus strand (C>T on the coding strand, the complement: MAN2B1 is on the minus strand). VCF-style: chr19-12663439-G-A. GRCh37 (hg19) VCF-style: chr19-12774253-G-A.
Other names: c.787C>T, p.Pro263Ser (NM_001173498.2); short protein forms P263S.
Identifiers: ClinVar variation 2019477 (VCV002019477.4), dbSNP rs2512511498, ClinGen allele CA404252322.
Genomic context (GRCh38, chr19:12,663,439, plus strand): 5'-GAGGGTCCTCCACCAGCGGCTGATCGACACACAGCACATCCCAGCACAGATTCCTTGGCG[G>A]GTTGTAACCATTGGGAAGCACACCTGCAGGTCACACCAAGTTCAAGGGGTGGCCCATCAC-3'
Protein context (NP_000519.2, residues 253-273): FTGVLPNGYN[Pro263Ser]PRNLCWDVLC

ClinVar aggregate classification (germline): Uncertain significance (1 of 4 stars; one submission).

Conditions:
Deficiency of alpha-mannosidase (MANSA). Also called: Alpha-Mannosidosis; LYSOSOMAL ALPHA-D-MANNOSIDASE DEFICIENCY; Mannosidosis, alpha-, types I and II. Identifiers: Orphanet 61, MedGen C0024748, MONDO:0009561, OMIM 248500.

Submission:

Labcorp Genetics (formerly Invitae), Labcorp
Classification: Uncertain significance for Deficiency of alpha-mannosidase. Last evaluated: 2022-07-24. Review status: criteria provided, single submitter. Criteria: Invitae Variant Classification Sherloc (09022015). Collection method: clinical testing. Allele origin: germline.
Comment: This variant has not been reported in the literature in individuals affected with MAN2B1-related conditions. In summary, the available evidence is currently insufficient to determine the role of this variant in disease. Therefore, it has been classified as a Variant of Uncertain Significance. This variant disrupts the p.Pro263 amino acid residue in MAN2B1. Other variant(s) that disrupt this residue have been determined to be pathogenic (PMID: 22161967, 24353136). This suggests that this residue is clinically significant, and that variants that disrupt this residue are likely to be disease-causing. Algorithms developed to predict the effect of missense changes on protein structure and function (SIFT, PolyPhen-2, Align-GVGD) all suggest that this variant is likely to be disruptive. This variant is not present in population databases (gnomAD no frequency). This sequence change replaces proline, which is neutral and non-polar, with serine, which is neutral and polar, at codon 263 of the MAN2B1 protein (p.Pro263Ser).

Literature cited by the submitters: PubMed 22161967; PubMed 24353136.